The following is an entry in ClinVar:

NM_001372051.1(CASP8):c.607T>A (p.Cys203Ser)

Gene: CASP8 (caspase 8; plus strand). Cytogenetic location: 2q33.1.
Variant type: single nucleotide variant.
Coding change: c.607T>A on transcript NM_001372051.1 (MANE Select); coding-DNA position 607, T replaced by A.
Protein change: p.Cys203Ser; replaces cysteine 203 with serine.
Molecular consequence: missense variant. On other transcripts: 5 prime UTR variant (2), non-coding transcript variant (19), intron variant (16).
Genome position (GRCh38, 1-based): chr2:201,274,900, T>A. VCF-style: chr2-201274900-T-A. GRCh37 (hg19) VCF-style: chr2-202139623-T-A.
Other names: c.562T>A, p.Cys188Ser (NM_001080124.2, NM_001400658.1, NM_001400659.1 and 5 more transcripts); c.784T>A, p.Cys262Ser (NM_001080125.2); c.658T>A, p.Cys220Ser (NM_001228.5); c.739T>A, p.Cys247Ser (NM_001400642.1); c.607T>A, p.Cys203Ser (NM_001400648.1, NM_001400651.1, NM_001400653.1 and 6 more transcripts); c.298T>A, p.Cys100Ser (NM_001400669.1); c.-9T>A (NM_001400674.1, NM_001400680.1); c.19-1927T>A (NM_001400677.1, NM_001400751.1, NM_001400678.1 and 2 more transcripts); and 7 more; short protein forms C220S, C262S, C188S, C203S, C100S, C247S.
Identifiers: ClinVar variation 1382693 (VCV001382693.6), dbSNP rs2125291868, ClinGen allele CA350292785.

ClinVar aggregate classification (germline): Uncertain significance (1 of 4 stars; one submission).

Conditions:
Autoimmune lymphoproliferative syndrome type 2B. Also called: AUTOIMMUNE LYMPHOPROLIFERATIVE SYNDROME, TYPE IIB. Identifiers: Orphanet 275517, MedGen C1846545, MONDO:0011804, OMIM 607271.

Submission:

Labcorp Genetics (formerly Invitae), Labcorp
Classification: Uncertain significance for Autoimmune lymphoproliferative syndrome type 2B. Last evaluated: 2023-12-06. Review status: criteria provided, single submitter. Criteria: Invitae Variant Classification Sherloc (09022015). Collection method: clinical testing. Allele origin: germline.
Comment: This sequence change replaces cysteine, which is neutral and slightly polar, with serine, which is neutral and polar, at codon 220 of the CASP8 protein (p.Cys220Ser). This variant is not present in population databases (gnomAD no frequency). This variant has not been reported in the literature in individuals affected with CASP8-related conditions. ClinVar contains an entry for this variant (Variation ID: 1382693). Advanced modeling of protein sequence and biophysical properties (such as structural, functional, and spatial information, amino acid conservation, physicochemical variation, residue mobility, and thermodynamic stability) performed at Invitae indicates that this missense variant is not expected to disrupt CASP8 protein function with a negative predictive value of 80%. In summary, the available evidence is currently insufficient to determine the role of this variant in disease. Therefore, it has been classified as a Variant of Uncertain Significance.